The following is an entry in ClinVar:

NM_002223.4(ITPR2):c.5583G>C (p.Glu1861Asp)

Gene: ITPR2 (inositol 1,4,5-trisphosphate receptor type 2; minus strand). Cytogenetic location: 12p11.23.
Variant type: single nucleotide variant.
Coding change: c.5583G>C on transcript NM_002223.4 (MANE Select); coding-DNA position 5583, G replaced by C.
Protein change: p.Glu1861Asp; replaces glutamic acid 1861 with aspartic acid.
Molecular consequence: missense variant.
Genome position (GRCh38, 1-based): chr12:26,486,332, C>G on the plus strand (G>C on the coding strand, the complement: ITPR2 is on the minus strand). VCF-style: chr12-26486332-C-G. GRCh37 (hg19) VCF-style: chr12-26639265-C-G.
Other names: c.5583G>C (NM_002223.2); c.5580G>C, p.Glu1860Asp (NM_001414174.1); c.5583G>C, p.Glu1861Asp (NM_001414175.1); short protein forms E1860D, E1861D.
Identifiers: ClinVar variation 3051841 (VCV003051841.3), dbSNP rs61751235, ClinGen allele CA6488684.

ClinVar aggregate classification (germline): Uncertain significance. Review status: criteria provided, single submitter (1 of 4 stars). 2 submissions from 2 submitters: Uncertain significance (1). 1 of the submissions does not count toward it. Last evaluated 2025-09-21.

Conditions:
ITPR2-related disorder. Also called: ITPR2-related condition.

Allele frequency attached by ClinVar (database versions not stated): TOPMed 0.00209; 1000 Genomes Project 0.00200; 1000 Genomes Project 30x 0.00219; gnomAD 0.00193; ESP Exome Variant Server 0.00194; ExAC 0.00067.
gnomAD v4.1: 697 of 1,612,772 alleles (0.043%); highest among the groups gnomAD compares: African/African-American, 0.66%; 1 homozygote.

Submissions (2):

Ambry Genetics
Classification: Uncertain significance. Last evaluated: 2025-09-21. Review status: criteria provided, single submitter. Criteria: Ambry Variant Classification Scheme 2023. Collection method: clinical testing. Allele origin: germline.

PreventionGenetics, part of Exact Sciences
Classification: Likely benign for ITPR2-related condition. Last evaluated: 2020-05-20. Review status: no assertion criteria provided. Collection method: clinical testing. Allele origin: germline. Not counted in ClinVar's aggregate classification.
Comment: This variant is classified as likely benign based on ACMG/AMP sequence variant interpretation guidelines (Richards et al. 2015 PMID: 25741868, with internal and published modifications).